The following is an entry in ClinVar:

NM_005359.6(SMAD4):c.787+9A>G

Gene: SMAD4 (SMAD family member 4; plus strand). Cytogenetic location: 18q21.2.
Variant type: single nucleotide variant.
Coding change: c.787+9A>G on transcript NM_005359.6 (MANE Select); 9 bases into the intron after coding-DNA position 787, A replaced by G.
Molecular consequence: intron variant.
Genome position (GRCh38, 1-based): chr18:51,058,253, A>G. VCF-style: chr18-51058253-A-G. GRCh37 (hg19) VCF-style: chr18-48584623-A-G.
Other names: c.787+9A>G (NM_001407042.1, NM_001407041.1, NM_001407043.1).
Identifiers: ClinVar variation 4736326 (VCV004736326.1).

ClinVar aggregate classification (germline): Uncertain significance (1 of 4 stars; one submission).

Conditions:
Juvenile polyposis syndrome (JPS). Identifiers: Orphanet 2929, MedGen C0345893, MONDO:0017380, OMIM 174900.

Submission:

Labcorp Genetics (formerly Invitae), Labcorp
Classification: Uncertain significance for Juvenile polyposis syndrome. Last evaluated: 2026-01-27. Review status: criteria provided, single submitter. Criteria: Invitae Variant Classification Sherloc (09022015). Collection method: clinical testing. Allele origin: germline.
Comment: This sequence change falls in intron 6 of the SMAD4 gene. It does not directly change the encoded amino acid sequence of the SMAD4 protein. This variant is not present in population databases (gnomAD no frequency). This variant has not been reported in the literature in individuals affected with SMAD4-related conditions. Algorithms developed to predict the effect of sequence changes on RNA splicing suggest that this variant may disrupt the consensus splice site. In summary, the available evidence is currently insufficient to determine the role of this variant in disease. Therefore, it has been classified as a Variant of Uncertain Significance.